The following is an entry in ClinVar:

ClinVar aggregate classification (germline): Pathogenic (1 of 4 stars; one submission).

Conditions:
Spastic paraplegia. Identifiers: MedGen C0037772, HP:0001258.

Submission:

Labcorp Genetics (formerly Invitae), Labcorp
Classification: Pathogenic for Spastic paraplegia. Last evaluated: 2023-04-28. Review status: criteria provided, single submitter. Criteria: Invitae Variant Classification Sherloc (09022015). Collection method: clinical testing. Allele origin: unknown.
Comment: For these reasons, this variant has been classified as Pathogenic. This variant has not been reported in the literature in individuals affected with SACS-related conditions. This variant is a gross deletion of the genomic region encompassing exon(s) 5 of the SACS gene. This deletion is out-of-frame, and is expected to create a premature termination codon and result in an absent or disrupted protein product. Loss-of-function variants in SACS are known to be pathogenic (PMID: 18465152, 20876471).

Literature cited by the submitters: PubMed 18465152; PubMed 20876471.

NC_000013.10:g.(?_23942521)_(23942646_?)del

Gene: SACS (sacsin molecular chaperone; minus strand). Cytogenetic location: 13q12.12.
Variant type: Deletion.
Identifiers: ClinVar variation 3244137 (VCV003244137.1).